The following is an entry in ClinVar:

ClinVar aggregate classification (germline): Uncertain significance. Review status: criteria provided, multiple submitters, no conflicts (2 of 4 stars). 3 submissions from 3 submitters: Uncertain significance (3). Last evaluated 2025-09-24.

Conditions:
Colorectal cancer, hereditary nonpolyposis, type 7. Identifiers: Orphanet 144, MedGen C1858380, MONDO:0013725, OMIM 614385.
Colorectal cancer. Also called: Malignant Colorectal Neoplasm; Colorectal cancer, somatic. Identifiers: MedGen C0346629, MONDO:0005575, OMIM 114500.
Endometrial carcinoma. Also called: Endometrial carcinoma, somatic. Identifiers: MedGen C0476089, MONDO:0002447, OMIM 608089, HP:0012114.

Allele frequency attached by ClinVar (database versions not stated): gnomAD exomes below 0.00001 and 0.00001; TOPMed below 0.00001; ExAC 0.00001; gnomAD 0.00003.
gnomAD v4.1: 19 of 1,613,714 alleles (0.0012%); highest among the groups gnomAD compares: Admixed American, 0.0017%; no homozygotes.

Submissions (3):

Labcorp Genetics (formerly Invitae), Labcorp
Classification: Uncertain significance for Colorectal cancer, hereditary nonpolyposis, type 7. Last evaluated: 2025-09-24. Review status: criteria provided, single submitter. Criteria: Invitae Variant Classification Sherloc (09022015). Collection method: clinical testing. Allele origin: germline.
Comment: This sequence change replaces asparagine, which is neutral and polar, with serine, which is neutral and polar, at codon 540 of the MLH3 protein (p.Asn540Ser). This variant is present in population databases (rs768855148, gnomAD 0.002%). This variant has not been reported in the literature in individuals affected with MLH3-related conditions. ClinVar contains an entry for this variant (Variation ID: 849935). An algorithm developed to predict the effect of missense changes on protein structure and function outputs the following: PolyPhen-2: "Benign". The serine amino acid residue is found in multiple mammalian species, which suggests that this missense change does not adversely affect protein function. In summary, the available evidence is currently insufficient to determine the role of this variant in disease. Therefore, it has been classified as a Variant of Uncertain Significance.

Mayo Clinic Laboratories, Mayo Clinic
Classification: Uncertain significance. Last evaluated: 2024-01-23. Review status: criteria provided, single submitter. Criteria: ACMG Guidelines, 2015. Collection method: clinical testing. Allele origin: germline. Observed: 1 variant allele.
Comment: BP4

Department of Pathology and Laboratory Medicine, Sinai Health System
Classification: Uncertain significance for Colorectal cancer; Endometrial carcinoma; Colorectal cancer, hereditary nonpolyposis, type 7. Last evaluated: 2022-05-24. Review status: criteria provided, single submitter. Criteria: ACMG Guidelines, 2015. Collection method: research. Allele origin: germline.

NM_001040108.2(MLH3):c.1619A>G (p.Asn540Ser)

Gene: MLH3 (mutL homolog 3; minus strand). Cytogenetic location: 14q24.3.
Variant type: single nucleotide variant.
Coding change: c.1619A>G on transcript NM_001040108.2 (MANE Select); coding-DNA position 1619, A replaced by G.
Protein change: p.Asn540Ser; replaces asparagine 540 with serine.
Molecular consequence: missense variant.
Genome position (GRCh38, 1-based): chr14:75,048,037, T>C on the plus strand (A>G on the coding strand, the complement: MLH3 is on the minus strand). VCF-style: chr14-75048037-T-C. GRCh37 (hg19) VCF-style: chr14-75514740-T-C.
Other names: p.Asn540Ser; c.1619A>G, p.Asn540Ser (NM_014381.3); short protein forms N540S.
Identifiers: ClinVar variation 849935 (VCV000849935.9), dbSNP rs768855148, ClinGen allele CA7275844.
Genomic context (GRCh38, chr14:75,048,037, plus strand): 5'-ACTTCAGTAGCATCTTTAAATCTCTTTGGTTGATTCTGAATTCTATTATTTTTCAAGATG[T>C]TGGCAGCCATGCCATTAACAGTAGTACTTTCTTTCCATATTTCTAGATCCTGCCCACTCT-3'
Protein context (NP_001035197.1, residues 530-550): ESTTVNGMAA[Asn540Ser]ILKNNRIQNQ